The following is an entry in ClinVar:

ClinVar aggregate classification (germline): Likely pathogenic. Review status: criteria provided, multiple submitters, no conflicts (2 of 4 stars). 3 submissions from 3 submitters: Likely pathogenic (3). Last evaluated 2024-06-12.

Conditions:
Nemaline myopathy 2 (NEM2). Also called: Nemaline myopathy 2, autosomal recessive. Identifiers: MedGen C1850569, MONDO:0009725, OMIM 256030.
Arthrogryposis multiplex congenita 6. Identifiers: MedGen C5543431, MONDO:0030281, OMIM 619334.

Allele frequency attached by ClinVar (database versions not stated): gnomAD exomes below 0.00001.
gnomAD v4.1: 1 of 1,611,308 alleles (0.000062%); highest among the groups gnomAD compares: Non-Finnish European, 0.000085%; no homozygotes.

Submissions (3):

Fulgent Genetics
Classification: Likely pathogenic for Nemaline myopathy 2; Arthrogryposis multiplex congenita 6. Last evaluated: 2024-06-12. Review status: criteria provided, single submitter. Criteria: ACMG Guidelines, 2015. Collection method: clinical testing. Allele origin: germline.

Labcorp Genetics (formerly Invitae), Labcorp
Classification: Likely pathogenic for Nemaline myopathy 2. Last evaluated: 2023-10-28. Review status: criteria provided, single submitter. Criteria: Invitae Variant Classification Sherloc (09022015). Collection method: clinical testing. Allele origin: germline.
Comment: This sequence change affects an acceptor splice site in intron 6 of the NEB gene. It is expected to disrupt RNA splicing. Variants that disrupt the donor or acceptor splice site typically lead to a loss of protein function (PMID: 16199547), and loss-of-function variants in NEB are known to be pathogenic (PMID: 25205138). This variant is not present in population databases (gnomAD no frequency). This variant has not been reported in the literature in individuals affected with NEB-related conditions. Algorithms developed to predict the effect of sequence changes on RNA splicing suggest that this variant may disrupt the consensus splice site. In summary, the currently available evidence indicates that the variant is pathogenic, but additional data are needed to prove that conclusively. Therefore, this variant has been classified as Likely Pathogenic.

Baylor Genetics
Classification: Likely pathogenic for Arthrogryposis multiplex congenita 6. Last evaluated: 2023-02-16. Review status: criteria provided, single submitter. Criteria: ACMG Guidelines, 2015. Collection method: clinical testing. Allele origin: unknown.

Literature cited by the submitters: PubMed 16199547 (cited by Labcorp Genetics (formerly Invitae), Labcorp); PubMed 25205138 (cited by Labcorp Genetics (formerly Invitae), Labcorp).

NM_001164508.2(NEB):c.403-2A>G

Gene: NEB (nebulin; minus strand). Cytogenetic location: 2q23.3.
Variant type: single nucleotide variant.
Coding change: c.403-2A>G on transcript NM_001164508.2 (MANE Select); the canonical splice acceptor site of the intron before coding-DNA position 403, A replaced by G.
Molecular consequence: splice acceptor variant.
Genome position (GRCh38, 1-based): chr2:151,724,963, T>C on the plus strand (A>G on the coding strand, the complement: NEB is on the minus strand). VCF-style: chr2-151724963-T-C. GRCh37 (hg19) VCF-style: chr2-152581477-T-C.
Other names: c.403-2A>G (NM_004543.5, NM_001164507.2, NM_001271208.2 and 1 more transcripts).
Identifiers: ClinVar variation 2677132 (VCV002677132.5), dbSNP rs2552279789, ClinGen allele CA348792874.
Genomic context (GRCh38, chr2:151,724,963, plus strand): 5'-GCTTTTTCATCTACGTGACATATAGTCTTAGCAACATCACCATCCATTCGATACTTAACC[T>C]GCCCAAATAATGCACAGTTAGAGTTCATGACAGGCATGTACATGTGAGTATATTAAGGAA-3'